The following is an entry in ClinVar:

NM_031229.4(RBCK1):c.918-61A>G

Gene: RBCK1 (RANBP2-type and C3HC4-type zinc finger containing 1; plus strand). Cytogenetic location: 20p13.
Variant type: single nucleotide variant.
Coding change: c.918-61A>G on transcript NM_031229.4 (MANE Select); 61 bases into the intron before coding-DNA position 918, A replaced by G.
Molecular consequence: intron variant.
Genome position (GRCh38, 1-based): chr20:422,066, A>G. VCF-style: chr20-422066-A-G. GRCh37 (hg19) VCF-style: chr20-402710-A-G.
Other names: c.408-61A>G (NM_001323956.2, NM_001323958.2); c.792-61A>G (NM_006462.6).
Identifiers: ClinVar variation 1185508 (VCV001185508.7), dbSNP rs2057251, ClinGen allele CA15960599.

ClinVar aggregate classification (germline): Benign. Review status: criteria provided, multiple submitters, no conflicts (2 of 4 stars). 4 submissions from 4 submitters: Benign (4). Last evaluated 2023-11-12.

Conditions:
Polyglucosan body myopathy type 1 (PGBM1). Also called: Polyglucosan body myopathy 1 with or without immunodeficiency; POLYGLUCOSAN BODY MYOPATHY WITHOUT IMMUNODEFICIENCY. Identifiers: Orphanet 329173, Orphanet 397937, MedGen C4014605, MONDO:0014389, OMIM 615895.

Allele frequency attached by ClinVar (database versions not stated): 1000 Genomes Project 0.65855; 1000 Genomes Project 30x 0.66224; TOPMed 0.70875; gnomAD 0.71409 and 0.72369.
gnomAD v4.1: 935,703 of 1,359,330 alleles (69%); highest among the groups gnomAD compares: African/African-American, 78%; 325,543 homozygotes.

Submissions (4):

Unidad de Genómica Garrahan, Hospital de Pediatría Garrahan
Classification: Benign. Last evaluated: 2023-11-12. Review status: criteria provided, single submitter. Criteria: ACMG Guidelines, 2015. Collection method: clinical testing. Allele origin: germline. Affected: no. Observed: 64 variant alleles.
Comment: This variant is classified as Benign based on local population frequency. This variant was detected in 67% of patients studied by a panel of primary immunodeficiencies. Number of patients: 64. Only high quality variants are reported.

Genome-Nilou Lab
Classification: Benign for Polyglucosan body myopathy type 1. Last evaluated: 2021-07-14. Review status: criteria provided, single submitter. Criteria: ACMG Guidelines, 2015. Collection method: clinical testing. Allele origin: germline. Affected: no.

GeneDx
Classification: Benign. Last evaluated: 2021-05-14. Review status: criteria provided, single submitter. Criteria: GeneDx Variant Classification Process June 2021. Collection method: clinical testing. Allele origin: germline. Affected: yes.

Breakthrough Genomics
Classification: Benign. Review status: criteria provided, single submitter. Criteria: ACMG Guidelines, 2015. Collection method: not provided. Allele origin: germline. Inheritance: Autosomal recessive inheritance. Affected: yes.